The following is an entry in ClinVar:

NM_000256.3(MYBPC3):c.3518A>G (p.Lys1173Arg)

Gene: MYBPC3 (myosin binding protein C3; minus strand). Cytogenetic location: 11p11.2.
Variant type: single nucleotide variant.
Coding change: c.3518A>G on transcript NM_000256.3 (MANE Select); coding-DNA position 3518, A replaced by G.
Protein change: p.Lys1173Arg; replaces lysine 1173 with arginine.
Molecular consequence: missense variant.
Genome position (GRCh38, 1-based): chr11:47,332,675, T>C on the plus strand (A>G on the coding strand, the complement: MYBPC3 is on the minus strand). VCF-style: chr11-47332675-T-C. GRCh37 (hg19) VCF-style: chr11-47354226-T-C.
Other names: short protein forms K1173R.
Identifiers: ClinVar variation 925756 (VCV000925756.8), dbSNP rs1165270727, ClinGen allele CA380312778.

ClinVar aggregate classification (germline): Uncertain significance. Review status: criteria provided, multiple submitters, no conflicts (2 of 4 stars). 3 submissions from 3 submitters: Uncertain significance (3). Last evaluated 2024-07-20.

Conditions:
Cardiovascular phenotype. Identifiers: MedGen CN230736.
Cardiomyopathy (CMYO). Also called: Cardiomyopathies. Identifiers: Orphanet 167848, MedGen C0878544, MONDO:0004994, HP:0001638. Inheritance: Various modes of inheritance.
Hypertrophic cardiomyopathy. Also called: HYPERTROPHIC MYOCARDIOPATHY. Identifiers: Orphanet 217569, MedGen C0007194, MeSH D002312, MONDO:0005045, HP:0001639.

Allele frequency attached by ClinVar (database versions not stated): gnomAD exomes below 0.00001; TOPMed below 0.00001; gnomAD 0.00001.
gnomAD v4.1: 2 of 1,612,416 alleles (0.00012%); highest among the groups gnomAD compares: Non-Finnish European, 0.00017%; no homozygotes.

Submissions (3):

All of Us Research Program, National Institutes of Health
Classification: Uncertain significance for Hypertrophic cardiomyopathy. Last evaluated: 2024-07-20. Review status: criteria provided, single submitter. Criteria: ACMG Guidelines, 2015. Collection method: clinical testing. Allele origin: germline. Inheritance: Autosomal dominant inheritance. Observed: 2 variant alleles, 2 heterozygotes.
Comment: This missense variant replaces lysine with arginine at codon 1173 of the MYBPC3 protein. Computational prediction suggests that this variant may not impact protein structure and function (internally defined REVEL score threshold <= 0.5, PMID: 27666373). Splice site prediction tools suggest that this variant may not impact RNA splicing. To our knowledge, functional studies have not been performed for this variant. This variant has not been reported in individuals affected with cardiovascular disorders in the literature. This variant has been identified in 1/31356 chromosomes in the general population by the Genome Aggregation Database (gnomAD). The available evidence is insufficient to determine the role of this variant in disease conclusively. Therefore, this variant is classified as a Variant of Uncertain Significance.

This study involves interpretation of variants in research participants for the purpose of population health screening. Participant phenotype was not available at the time of variant classification. Additional details can be found in publication PMID: 35346344, PMCID: PMC8962531

Color Diagnostics, LLC DBA Color Health
Classification: Uncertain significance for Cardiomyopathy. Last evaluated: 2024-03-06. Review status: criteria provided, single submitter. Criteria: ACMG Guidelines, 2015. Collection method: clinical testing. Allele origin: germline.
Comment: This missense variant replaces lysine with arginine at codon 1173 of the MYBPC3 protein. Computational prediction suggests that this variant may not impact protein structure and function (internally defined REVEL score threshold <= 0.5, PMID: 27666373). Splice site prediction tools suggest that this variant may not impact RNA splicing. To our knowledge, functional studies have not been performed for this variant. This variant has not been reported in individuals affected with cardiovascular disorders in the literature. This variant has been identified in 1/31356 chromosomes in the general population by the Genome Aggregation Database (gnomAD). The available evidence is insufficient to determine the role of this variant in disease conclusively. Therefore, this variant is classified as a Variant of Uncertain Significance.

Ambry Genetics
Classification: Uncertain significance for Cardiovascular phenotype. Last evaluated: 2021-11-04. Review status: criteria provided, single submitter. Criteria: Ambry Variant Classification Scheme 2023. Collection method: clinical testing. Allele origin: germline.
Comment: The p.K1173R variant (also known as c.3518A>G), located in coding exon 32 of the MYBPC3 gene, results from an A to G substitution at nucleotide position 3518. The lysine at codon 1173 is replaced by arginine, an amino acid with highly similar properties. This amino acid position is well conserved in available vertebrate species. In addition, this alteration is predicted to be tolerated by in silico analysis. Since supporting evidence is limited at this time, the clinical significance of this alteration remains unclear.